The following is an entry in ClinVar:

NM_004782.4(SNAP29):c.622G>T (p.Glu208Ter)

Gene: SNAP29 (synaptosome associated protein 29; plus strand). Cytogenetic location: 22q11.21.
Variant type: single nucleotide variant.
Coding change: c.622G>T on transcript NM_004782.4 (MANE Select); coding-DNA position 622, G replaced by T.
Protein change: p.Glu208Ter; replaces glutamic acid 208 with a stop codon.
Molecular consequence: nonsense.
Genome position (GRCh38, 1-based): chr22:20,887,681, G>T. VCF-style: chr22-20887681-G-T. GRCh37 (hg19) VCF-style: chr22-21241969-G-T.
Other names: short protein forms E208*.
Identifiers: ClinVar variation 421595 (VCV000421595.3), dbSNP rs1064795236, ClinGen allele CA16621038.

ClinVar aggregate classification (germline): Likely pathogenic. Review status: criteria provided, single submitter (1 of 4 stars). 2 submissions from 2 submitters: Likely pathogenic (1). 1 of the submissions does not count toward it. Last evaluated 2016-07-05.

Conditions:
CEDNIK syndrome. Also called: Cerebral dysgenesis, neuropathy, ichthyosis, and palmoplantar keratoderma; CEREBRAL DYSGENESIS, NEUROPATHY, ICHTHYOSIS, AND PALMOPLANTAR KERATODERMA SYNDROME. Identifiers: Orphanet 66631, MedGen C1836033, MONDO:0012290, OMIM 609528.

Submissions (2):

GeneDx
Classification: Likely pathogenic. Last evaluated: 2016-07-05. Review status: criteria provided, single submitter. Criteria: GeneDx Variant Classification (06012015). Collection method: clinical testing. Allele origin: germline. Affected: yes.
Comment: The E208X variant in the SNAP29 gene has not been reported previously as a pathogenic variant nor as a benign variant, to our knowledge. This variant is predicted to cause loss of normal protein function through protein truncation with a loss of the protein's last 51 amino acids. The E208X variant was not observed in approximately 6500 individuals of European and African American ancestry in the NHLBI Exome Sequencing Project, indicating it is not a common benign variant in these populations. The E208X variant is a strong candidate for a pathogenic variant, however the possibility it may be a rare benign variant cannot be excluded.

OMIM
Classification: Pathogenic for CEREBRAL DYSGENESIS, NEUROPATHY, ICHTHYOSIS, AND PALMOPLANTAR KERATODERMA SYNDROME. Last evaluated: 2022-05-23. Review status: no assertion criteria provided. Collection method: literature only. Allele origin: germline. Not counted in ClinVar's aggregate classification.

Literature cited by the submitters: PubMed 33977139 (cited by OMIM).